The following is an entry in ClinVar:

ClinVar aggregate classification (germline): Likely benign. Review status: criteria provided, multiple submitters, no conflicts (2 of 4 stars). 5 submissions from 5 submitters: Likely benign (3). 2 of the submissions do not count toward it. Last evaluated 2026-01-03.

Conditions:
Carnitine palmitoyl transferase 1A deficiency. Also called: CPT deficiency, hepatic, type IA; CPT I DEFICIENCY; CPT DEFICIENCY, HEPATIC, TYPE I; Carnitine palmitoyltransferase 1A deficiency; Carnitine palmitoyltransferase type I deficiency. Identifiers: Orphanet 156, MedGen C1829703, MONDO:0009705, OMIM 255120.
CPT1A-related disorder. Also called: CPT1A-related condition.

Allele frequency attached by ClinVar (database versions not stated): gnomAD 0.00002; TOPMed 0.00009; gnomAD exomes 0.00015; ExAC 0.00013.
gnomAD v4.1: 55 of 1,613,960 alleles (0.0034%); highest among the groups gnomAD compares: Admixed American, 0.072%; no homozygotes.

Submissions (5):

Labcorp Genetics (formerly Invitae), Labcorp
Classification: Likely benign for Carnitine palmitoyl transferase 1A deficiency. Last evaluated: 2026-01-03. Review status: criteria provided, single submitter. Criteria: Invitae Variant Classification Sherloc (09022015). Collection method: clinical testing. Allele origin: germline.

Blueprint Genetics
Classification: Likely benign. Last evaluated: 2024-03-05. Review status: criteria provided, single submitter. Criteria: ACMG Guidelines, 2015. Collection method: clinical testing. Allele origin: germline.

GeneDx
Classification: Likely benign. Last evaluated: 2018-02-06. Review status: criteria provided, single submitter. Criteria: GeneDx Variant Classification (06012015). Collection method: clinical testing. Allele origin: germline. Affected: yes.
Comment: This variant is considered likely benign or benign based on one or more of the following criteria: it is a conservative change, it occurs at a poorly conserved position in the protein, it is predicted to be benign by multiple in silico algorithms, and/or has population frequency not consistent with disease.

Natera, Inc.
Classification: Likely benign for Carnitine palmitoyltransferase type I deficiency. Last evaluated: 2020-08-07. Review status: no assertion criteria provided. Collection method: clinical testing. Allele origin: germline. Not counted in ClinVar's aggregate classification.

PreventionGenetics, part of Exact Sciences
Classification: Likely benign for CPT1A-related condition. Last evaluated: 2019-07-02. Review status: no assertion criteria provided. Collection method: clinical testing. Allele origin: germline. Not counted in ClinVar's aggregate classification.
Comment: This variant is classified as likely benign based on ACMG/AMP sequence variant interpretation guidelines (Richards et al. 2015 PMID: 25741868, with internal and published modifications).

NM_001876.4(CPT1A):c.1257G>A (p.Thr419=)

Genes: CPT1A (carnitine palmitoyltransferase 1A; minus strand), LOC126861244 (BRD4-independent group 4 enhancer GRCh37_chr11:68549035-68550234; plus strand). Cytogenetic location: 11q13.3.
Variant type: single nucleotide variant.
Coding change: c.1257G>A on transcript NM_001876.4 (MANE Select); coding-DNA position 1257, G replaced by A.
Protein change: p.Thr419=; no amino-acid change (threonine 419 retained).
Molecular consequence: synonymous variant.
Genome position (GRCh38, 1-based): chr11:68,781,866, C>T on the plus strand (G>A on the coding strand, the complement: CPT1A is on the minus strand). VCF-style: chr11-68781866-C-T. GRCh37 (hg19) VCF-style: chr11-68549334-C-T.
Other names: c.1257G>A, p.Thr419= (NM_001031847.3).
Identifiers: ClinVar variation 516475 (VCV000516475.19), dbSNP rs764443409, ClinGen allele CA6152365.
Genomic context (GRCh38, chr11:68,781,866, plus strand): 5'-GTAGCTGTCCATTGACGTATCCGGGTCTTCACTTCTGTATCCTTCTTCAGTTTCATCTAA[C>T]GTCACAAAGAACGCTGCTTTCTCCACAGCATCAAGAGACTGCTTATTTTTCCCACGTCCA-3'
Protein context (NP_001867.2, residues 409-429): DAVEKAAFFV[Thr419=]LDETEEGYRS